The following is an entry in ClinVar:

ClinVar aggregate classification (germline): Uncertain significance (1 of 4 stars; one submission).

Conditions:
Catecholaminergic polymorphic ventricular tachycardia (CVPT). Also called: Catecholamine-induced polymorphic ventricular tachycardia. Identifiers: Orphanet 3286, MedGen C5574922, MONDO:0017990.

gnomAD v4.1: 14 of 1,613,588 alleles (0.00087%); highest among the groups gnomAD compares: East Asian, 0.031%; no homozygotes.

Submission:

All of Us Research Program, National Institutes of Health
Classification: Uncertain significance for Catecholaminergic polymorphic ventricular tachycardia. Last evaluated: 2024-09-23. Review status: criteria provided, single submitter. Criteria: ACMG Guidelines, 2015. Collection method: clinical testing. Allele origin: germline. Inheritance: Autosomal dominant inheritance. Observed: 1 variant allele, 1 heterozygote.
Comment: This study involves interpretation of variants in research participants for the purpose of population health screening. Participant phenotype was not available at the time of variant classification. Additional details can be found in publication PMID: 35346344, PMCID: PMC8962531

NM_001035.3(RYR2):c.7283C>A (p.Pro2428His)

Gene: RYR2 (ryanodine receptor 2; plus strand). Cytogenetic location: 1q43.
Variant type: single nucleotide variant.
Coding change: c.7283C>A on transcript NM_001035.3 (MANE Select); coding-DNA position 7283, C replaced by A.
Protein change: p.Pro2428His; replaces proline 2428 with histidine.
Molecular consequence: missense variant.
Genome position (GRCh38, 1-based): chr1:237,643,388, C>A. VCF-style: chr1-237643388-C-A. GRCh37 (hg19) VCF-style: chr1-237806688-C-A.
Other names: short protein forms P2428H.
Identifiers: ClinVar variation 3385777 (VCV003385777.1).